The following is an entry in ClinVar:

NM_005912.3(MC4R):c.379T>C (p.Ser127Pro)

Gene: MC4R (melanocortin 4 receptor; minus strand). Cytogenetic location: 18q21.32.
Variant type: single nucleotide variant.
Coding change: c.379T>C on transcript NM_005912.3 (MANE Select); coding-DNA position 379, T replaced by C.
Protein change: p.Ser127Pro; replaces serine 127 with proline.
Molecular consequence: missense variant.
Genome position (GRCh38, 1-based): chr18:60,371,971, A>G on the plus strand (T>C on the coding strand, the complement: MC4R is on the minus strand). VCF-style: chr18-60371971-A-G. GRCh37 (hg19) VCF-style: chr18-58039204-A-G.
Other names: short protein forms S127P.
Identifiers: ClinVar variation 3348912 (VCV003348912.1).

ClinVar aggregate classification (germline): Uncertain significance (0 of 4 stars; one submission).

Conditions:
MC4R-related disorder. Also called: MC4R-related condition.

Submission:

PreventionGenetics, part of Exact Sciences
Classification: Uncertain significance for MC4R-related condition. Last evaluated: 2023-10-19. Review status: no assertion criteria provided. Collection method: clinical testing. Allele origin: germline.
Comment: The MC4R c.379T>C variant is predicted to result in the amino acid substitution p.Ser127Pro. To our knowledge, this variant has not been reported in the literature or in a large population database, indicating this variant is rare. A different substitution at this same amino acid (c.380C>T, p.Ser127Leu) has been reported in the heterozygous state in multiple individuals with obesity (Lubrano-Berthelier et al. 2004. PubMed ID: 15126516; Stutzmann et al. 2008. PubMed ID: 18559663). At this time, the clinical significance of this variant is uncertain due to the absence of conclusive functional and genetic evidence.